The following is an entry in ClinVar:

ClinVar aggregate classification (germline): Uncertain significance (1 of 4 stars; one submission).

Conditions:
Hereditary cancer-predisposing syndrome. Also called: Neoplastic Syndromes, Hereditary; Tumor predisposition; Hereditary Cancer Syndrome; Hereditary neoplastic syndrome. Identifiers: Orphanet 140162, MedGen C0027672, MeSH D009386, MONDO:0015356.

Submission:

Ambry Genetics
Classification: Uncertain significance for Hereditary cancer-predisposing syndrome. Last evaluated: 2021-01-21. Review status: criteria provided, single submitter. Criteria: Ambry Variant Classification Scheme 2023. Collection method: clinical testing. Allele origin: germline.
Comment: The p.K595N variant (also known as c.1785A>C), located in coding exon 8 of the BARD1 gene, results from an A to C substitution at nucleotide position 1785. The lysine at codon 595 is replaced by asparagine, an amino acid with similar properties. This amino acid position is well conserved in available vertebrate species. In addition, the in silico prediction for this alteration is inconclusive. Since supporting evidence is limited at this time, the clinical significance of this alteration remains unclear.

NM_000465.4(BARD1):c.1785A>C (p.Lys595Asn)

Gene: BARD1 (BRCA1 associated RING domain 1; minus strand). Cytogenetic location: 2q35.
Variant type: single nucleotide variant.
Coding change: c.1785A>C on transcript NM_000465.4 (MANE Select); coding-DNA position 1785, A replaced by C.
Protein change: p.Lys595Asn; replaces lysine 595 with asparagine.
Molecular consequence: missense variant. On other transcripts: non-coding transcript variant (3), intron variant (1).
Genome position (GRCh38, 1-based): chr2:214,745,747, T>G on the plus strand (A>C on the coding strand, the complement: BARD1 is on the minus strand). VCF-style: chr2-214745747-T-G. GRCh37 (hg19) VCF-style: chr2-215610471-T-G.
Other names: c.1728A>C, p.Lys576Asn (NM_001282543.2); c.432A>C, p.Lys144Asn (NM_001282545.2); c.375A>C, p.Lys125Asn (NM_001282548.2); c.365-15239A>C (NM_001282549.2); short protein forms K595N, K125N, K144N, K576N.
Identifiers: ClinVar variation 1780068 (VCV001780068.2), dbSNP rs2469342265, ClinGen allele CA350452641.